The following is an entry in ClinVar:

NM_001376.5(DYNC1H1):c.9939T>C (p.Pro3313=)

Gene: DYNC1H1 (dynein cytoplasmic 1 heavy chain 1; plus strand). Cytogenetic location: 14q32.31.
Variant type: single nucleotide variant.
Coding change: c.9939T>C on transcript NM_001376.5 (MANE Select); coding-DNA position 9939, T replaced by C.
Protein change: p.Pro3313=; no amino-acid change (proline 3313 retained).
Molecular consequence: synonymous variant.
Genome position (GRCh38, 1-based): chr14:102,032,327, T>C. VCF-style: chr14-102032327-T-C. GRCh37 (hg19) VCF-style: chr14-102498664-T-C.
Identifiers: ClinVar variation 2819251 (VCV002819251.4), dbSNP rs2503819648, ClinGen allele CA487966830.

ClinVar aggregate classification (germline): Likely benign. Review status: criteria provided, multiple submitters, no conflicts (2 of 4 stars). 2 submissions from 2 submitters: Likely benign (2). Last evaluated 2026-09-01.

Conditions:
Charcot-Marie-Tooth disease axonal type 2O. Also called: Charcot-Marie-Tooth disease, axonal, type 20; CHARCOT-MARIE-TOOTH NEUROPATHY, AXONAL, TYPE 2O; CHARCOT-MARIE-TOOTH DISEASE, AXONAL, AUTOSOMAL DOMINANT, TYPE 2O; Charcot-Marie-Tooth Neuropathy Type 2O. Identifiers: Orphanet 284232, MedGen C3280220, MONDO:0013644, OMIM 614228.

Submissions (2):

CeGaT Center for Human Genetics Tuebingen
Classification: Likely benign. Last evaluated: 2026-09-01. Review status: criteria provided, single submitter. Criteria: CeGaT Center For Human Genetics Tuebingen Variant Classification Criteria Version 2. Collection method: clinical testing. Allele origin: germline. Affected: yes. Observed: 1 variant allele.
Comment: DYNC1H1: PM2:Supporting, BP4, BP7

Labcorp Genetics (formerly Invitae), Labcorp
Classification: Likely benign for Charcot-Marie-Tooth disease axonal type 2O. Last evaluated: 2024-11-18. Review status: criteria provided, single submitter. Criteria: Invitae Variant Classification Sherloc (09022015). Collection method: clinical testing. Allele origin: germline.